The following is an entry in ClinVar:

ClinVar aggregate classification (germline): Likely pathogenic (1 of 4 stars; one submission).

Allele frequency attached by ClinVar (database versions not stated): gnomAD exomes below 0.00001.
gnomAD v4.1: 1 of 1,458,040 alleles (0.000069%); highest among the groups gnomAD compares: Non-Finnish European, 0.000093%; no homozygotes.

Submission:

Labcorp Genetics (formerly Invitae), Labcorp
Classification: Likely pathogenic. Last evaluated: 2022-11-23. Review status: criteria provided, single submitter. Criteria: Invitae Variant Classification Sherloc (09022015). Collection method: clinical testing. Allele origin: germline.
Comment: In summary, the currently available evidence indicates that the variant is pathogenic, but additional data are needed to prove that conclusively. Therefore, this variant has been classified as Likely Pathogenic. Algorithms developed to predict the effect of sequence changes on RNA splicing suggest that this variant may disrupt the consensus splice site. ClinVar contains an entry for this variant (Variation ID: 958144). This variant has not been reported in the literature in individuals affected with SZT2-related conditions. This variant is not present in population databases (gnomAD no frequency). This sequence change affects a donor splice site in intron 55 of the SZT2 gene. It is expected to disrupt RNA splicing. Variants that disrupt the donor or acceptor splice site typically lead to a loss of protein function (PMID: 16199547), and loss-of-function variants in SZT2 are known to be pathogenic (PMID: 23932106, 27248490, 28556953).

Literature cited by the submitters: PubMed 16199547; PubMed 23932106; PubMed 27248490; PubMed 28556953.

NM_001365999.1(SZT2):c.7873+2T>C

Gene: SZT2 (SZT2 subunit of KICSTOR complex; plus strand). Cytogenetic location: 1p34.2.
Variant type: single nucleotide variant.
Coding change: c.7873+2T>C on transcript NM_001365999.1 (MANE Select); the canonical splice donor site of the intron after coding-DNA position 7873, T replaced by C.
Molecular consequence: splice donor variant.
Genome position (GRCh38, 1-based): chr1:43,442,132, T>C. VCF-style: chr1-43442132-T-C. GRCh37 (hg19) VCF-style: chr1-43907803-T-C.
Other names: c.7702+2T>C (NM_015284.4).
Identifiers: ClinVar variation 958144 (VCV000958144.8), dbSNP rs1655125488, ClinGen allele CA340036460.